The following is an entry in ClinVar:

ClinVar aggregate classification (germline): Pathogenic/Likely pathogenic. Review status: criteria provided, multiple submitters, no conflicts (2 of 4 stars). 4 submissions from 4 submitters: Pathogenic (3); Likely pathogenic (1). Last evaluated 2023-10-04.

Conditions:
LAMA2-related muscular dystrophy (LAMA2-RD). Also called: Laminin alpha 2-related dystrophy. Identifiers: MedGen C5679788, MONDO:0100228.
Merosin deficient congenital muscular dystrophy (MDC1A). Also called: Congenital merosin-deficient muscular dystrophy 1A; Congenital Muscular Dystrophy Type 1A (MDC1A). Identifiers: Orphanet 258, MedGen C1263858, MONDO:0011925, OMIM 607855.
Congenital muscular dystrophy due to partial LAMA2 deficiency. Identifiers: MedGen C1842898.

Allele frequency attached by ClinVar (database versions not stated): gnomAD exomes below 0.00001; TOPMed 0.00001.
gnomAD v4.1: 6 of 1,605,752 alleles (0.00037%); highest among the groups gnomAD compares: Non-Finnish European, 0.00051%; no homozygotes.

Submissions (4):

Labcorp Genetics (formerly Invitae), Labcorp
Classification: Pathogenic for LAMA2-related muscular dystrophy. Last evaluated: 2023-10-04. Review status: criteria provided, single submitter. Criteria: Invitae Variant Classification Sherloc (09022015). Collection method: clinical testing. Allele origin: germline.
Comment: This sequence change affects an acceptor splice site in intron 58 of the LAMA2 gene. It is expected to disrupt RNA splicing. Variants that disrupt the donor or acceptor splice site typically lead to a loss of protein function (PMID: 16199547), and loss-of-function variants in LAMA2 are known to be pathogenic (PMID: 18700894, 32904964). This variant is not present in population databases (gnomAD no frequency). Disruption of this splice site has been observed in individuals with LAMA2-related muscular dystrophy (PMID: 24225367, 30055037). ClinVar contains an entry for this variant (Variation ID: 372750). Algorithms developed to predict the effect of sequence changes on RNA splicing suggest that this variant may disrupt the consensus splice site. For these reasons, this variant has been classified as Pathogenic.

Baylor Genetics
Classification: Pathogenic for Merosin deficient congenital muscular dystrophy. Last evaluated: 2023-03-23. Review status: criteria provided, single submitter. Criteria: ACMG Guidelines, 2015. Collection method: clinical testing. Allele origin: unknown.

Illumina Laboratory Services, Illumina
Classification: Likely pathogenic for Congenital muscular dystrophy due to partial LAMA2 deficiency. Last evaluated: 2018-12-07. Review status: criteria provided, single submitter. Criteria: ICSL Variant Classification Criteria 09 May 2019. Collection method: clinical testing. Allele origin: germline.
Comment: The LAMA2 c.8245-2A>G variant occurs in a canonical splice site (acceptor) and is therefore predicted to disrupt or distort the normal gene product. The variant has been reported in two individuals affected with congenital muscular dystrophy, both in a compound heterozygous state with a deletion or stop-gained variant (Beytia et al. 2014; Oliveira et al. 2018). This variant is not found in the 1000 Genomes Project, the Exome Sequencing Project, the Exome Aggregation Consortium, or the Genome Aggregation Database. Based on the evidence and the potential impact of splice acceptor variants, the c.8245-2A>G variant is classified as likely pathogenic for LAMA2-related congenital muscular dystrophy. This variant was observed by ICSL as part of a predisposition screen in an ostensibly healthy population.

GeneDx
Classification: Pathogenic. Last evaluated: 2016-11-15. Review status: criteria provided, single submitter. Criteria: GeneDx Variant Classification (06012015). Collection method: clinical testing. Allele origin: germline. Affected: yes.
Comment: The c.8245-2 A>G pathogenic variant was previously reported in a patient with congenital muscular dystrophy type 1A, who harbored an additional LAMA2 variant (Beytia et al., 2014). This variant destroys the canonical splice acceptor site for intron 58. It is predicted to cause abnormal gene splicing, either leading to an abnormal message that is subjected to nonsense-mediated mRNA decay, or to abnormal protein product if the message is used for protein translation. The c.8245-2 A>G variant was not observed in approximately 6,500 individuals of European and African American ancestry in the NHLBI Exome Sequencing Project, indicating it is not a common benign variant in these populations

Literature cited by the submitters: PubMed 16199547 (cited by Labcorp Genetics (formerly Invitae), Labcorp); PubMed 18700894 (cited by Labcorp Genetics (formerly Invitae), Labcorp); PubMed 32904964 (cited by Labcorp Genetics (formerly Invitae), Labcorp); PubMed 24225367 (cited by Labcorp Genetics (formerly Invitae), Labcorp and Illumina Laboratory Services, Illumina); PubMed 30055037 (cited by Labcorp Genetics (formerly Invitae), Labcorp and Illumina Laboratory Services, Illumina).

NM_000426.4(LAMA2):c.8245-2A>G

Genes: LAMA2 (laminin subunit alpha 2; plus strand), LOC126859784 (CDK7 strongly-dependent group 2 enhancer GRCh37_chr6:129822854-129824053; plus strand). Cytogenetic location: 6q22.33.
Variant type: single nucleotide variant.
Coding change: c.8245-2A>G on transcript NM_000426.4 (MANE Select); the canonical splice acceptor site of the intron before coding-DNA position 8245, A replaced by G.
Molecular consequence: splice acceptor variant.
Genome position (GRCh38, 1-based): chr6:129,502,657, A>G. VCF-style: chr6-129502657-A-G. GRCh37 (hg19) VCF-style: chr6-129823802-A-G.
Other names: c.8233-2A>G (NM_001079823.2).
Identifiers: ClinVar variation 372750 (VCV000372750.10), dbSNP rs914395925, ClinGen allele CA16042658.